The following is an entry in ClinVar:

NM_020937.4(FANCM):c.3071C>G (p.Pro1024Arg)

Gene: FANCM (FA complementation group M; plus strand). Cytogenetic location: 14q21.2.
Variant type: single nucleotide variant.
Coding change: c.3071C>G on transcript NM_020937.4 (MANE Select); coding-DNA position 3071, C replaced by G.
Protein change: p.Pro1024Arg; replaces proline 1024 with arginine.
Molecular consequence: missense variant.
Genome position (GRCh38, 1-based): chr14:45,175,825, C>G. VCF-style: chr14-45175825-C-G. GRCh37 (hg19) VCF-style: chr14-45645028-C-G.
Other names: c.2993C>G, p.Pro998Arg (NM_001308133.2); short protein forms P1024R, P998R.
Identifiers: ClinVar variation 4844537 (VCV004844537.1).

ClinVar aggregate classification (germline): Uncertain significance (1 of 4 stars; one submission).

Conditions:
Inborn genetic diseases. Identifiers: MedGen C0950123, MeSH D030342.

gnomAD v4.1: 1 of 1,613,734 alleles (0.000062%); highest among the groups gnomAD compares: Non-Finnish European, 0.000085%; no homozygotes.

Submission:

Ambry Genetics
Classification: Uncertain significance for Inborn genetic diseases. Last evaluated: 2026-01-19. Review status: criteria provided, single submitter. Criteria: Ambry Variant Classification Scheme 2023. Collection method: clinical testing. Allele origin: germline.
Comment: The p.P1024R variant (also known as c.3071C>G), located in coding exon 14 of the FANCM gene, results from a C to G substitution at nucleotide position 3071. The proline at codon 1024 is replaced by arginine, an amino acid with dissimilar properties. This amino acid position is conserved. In addition, this alteration is predicted to be tolerated by in silico analysis. Based on the available evidence, the clinical significance of this variant remains unclear.